The following is an entry in ClinVar:

NC_000015.10:g.(?_23021218)_(23049341_?)dup

Genes: NIPA1 (NIPA magnesium transporter 1; plus strand), TUBGCP5 (tubulin gamma complex component 5; minus strand). Cytogenetic location: 15q11.2.
Variant type: Duplication.
Identifiers: ClinVar variation 4974531 (VCV004974531.1).

ClinVar aggregate classification (germline): Pathogenic (1 of 4 stars; one submission).

Conditions:
Hereditary spastic paraplegia 6 (SPG6). Also called: SPASTIC PARAPLEGIA 6, AUTOSOMAL DOMINANT. Identifiers: Orphanet 100988, MedGen C1838192, MONDO:0010878, OMIM 600363.

Submission:

Solve-RD Consortium
Classification: Pathogenic for Hereditary spastic paraplegia 6. Review status: criteria provided, single submitter. Criteria: ACMG/ClinGen CNV Guidelines, 2019. Collection method: provider interpretation. Allele origin: germline. Inheritance: Autosomal dominant inheritance. Affected: yes. Study: Solve-RD DIFT-EpiCARE reanalysis.
Comment: 2A, 3B, 4B, 4L

Variant identified during reanalysis of unsolved cases by the Solve-RD project. The Solve-RD project has received funding from the European Union’s Horizon 2020 research and innovation programme under grant agreement No 779257.